The following is an entry in ClinVar:

ClinVar aggregate classification (germline): Uncertain significance (1 of 4 stars; one submission).

Submission:

Labcorp Genetics (formerly Invitae), Labcorp
Classification: Uncertain significance. Last evaluated: 2022-05-20. Review status: criteria provided, single submitter. Criteria: Invitae Variant Classification Sherloc (09022015). Collection method: clinical testing. Allele origin: germline.
Comment: This sequence change replaces arginine, which is basic and polar, with glycine, which is neutral and non-polar, at codon 597 of the ZSWIM6 protein (p.Arg597Gly). This variant is not present in population databases (gnomAD no frequency). In summary, the available evidence is currently insufficient to determine the role of this variant in disease. Therefore, it has been classified as a Variant of Uncertain Significance. Algorithms developed to predict the effect of missense changes on protein structure and function are either unavailable or do not agree on the potential impact of this missense change (SIFT: "Tolerated"; PolyPhen-2: "Probably Damaging"; Align-GVGD: "Class C0"). This variant has not been reported in the literature in individuals affected with ZSWIM6-related conditions.

NM_020928.2(ZSWIM6):c.1789A>G (p.Arg597Gly)

Gene: ZSWIM6 (zinc finger SWIM-type containing 6; plus strand). Cytogenetic location: 5q12.1.
Variant type: single nucleotide variant.
Coding change: c.1789A>G on transcript NM_020928.2 (MANE Select); coding-DNA position 1789, A replaced by G.
Protein change: p.Arg597Gly; replaces arginine 597 with glycine.
Molecular consequence: missense variant.
Genome position (GRCh38, 1-based): chr5:61,526,348, A>G. VCF-style: chr5-61526348-A-G. GRCh37 (hg19) VCF-style: chr5-60822175-A-G.
Other names: short protein forms R597G.
Identifiers: ClinVar variation 1996943 (VCV001996943.4), dbSNP rs2478350002, ClinGen allele CA359943858.